The following is an entry in ClinVar:

ClinVar aggregate classification (germline): Uncertain significance. Review status: criteria provided, multiple submitters, no conflicts (2 of 4 stars). 5 submissions from 5 submitters: Uncertain significance (5). Last evaluated 2026-05-21.

Conditions:
ALPK3-related disorder. Also called: ALPK3-related condition.
Cardiomyopathy, familial hypertrophic 27. Identifiers: MedGen C4748014, MONDO:0054838, OMIM 618052.
Cardiovascular phenotype. Identifiers: MedGen CN230736.

Allele frequency attached by ClinVar (database versions not stated): ExAC 0.00005; gnomAD exomes 0.00006 and 0.00007; TOPMed 0.00012; gnomAD 0.00013.
gnomAD v4.1: 121 of 1,554,400 alleles (0.0078%); highest among the groups gnomAD compares: African/African-American, 0.023%; no homozygotes.

Submissions (5):

PreventionGenetics, part of Exact Sciences
Classification: Uncertain significance for ALPK3-related condition. Last evaluated: 2026-05-21. Review status: criteria provided, single submitter. Criteria: ACMG Guidelines, 2015. Collection method: clinical testing. Allele origin: germline.
Comment: The ALPK3 c.4253C>T variant is predicted to result in the amino acid substitution p.Thr1418Met. To our knowledge, this variant has not been reported in the literature. This variant is reported in 0.023% of alleles in individuals of African descent in gnomAD. At this time, the clinical significance of this variant is uncertain due to the absence of conclusive functional and genetic evidence.

Labcorp Genetics (formerly Invitae), Labcorp
Classification: Uncertain significance. Last evaluated: 2026-01-27. Review status: criteria provided, single submitter. Criteria: Invitae Variant Classification Sherloc (09022015). Collection method: clinical testing. Allele origin: germline.
Comment: This sequence change replaces threonine, which is neutral and polar, with methionine, which is neutral and non-polar, at codon 1418 of the ALPK3 protein (p.Thr1418Met). This variant is present in population databases (rs767667447, gnomAD 0.02%). This variant has not been reported in the literature in individuals affected with ALPK3-related conditions. ClinVar contains an entry for this variant (Variation ID: 1253827). Invitae Evidence Modeling of protein sequence and biophysical properties (such as structural, functional, and spatial information, amino acid conservation, physicochemical variation, residue mobility, and thermodynamic stability) indicates that this missense variant is expected to disrupt ALPK3 protein function with a positive predictive value of 80%. In summary, the available evidence is currently insufficient to determine the role of this variant in disease. Therefore, it has been classified as a Variant of Uncertain Significance.

Ambry Genetics
Classification: Uncertain significance for Cardiovascular phenotype. Last evaluated: 2024-05-10. Review status: criteria provided, single submitter. Criteria: Ambry Variant Classification Scheme 2023. Collection method: clinical testing. Allele origin: germline.
Comment: The p.T1418M variant (also known as c.4253C>T), located in coding exon 6 of the ALPK3 gene, results from a C to T substitution at nucleotide position 4253. The threonine at codon 1418 is replaced by methionine, an amino acid with similar properties. This amino acid position is not well conserved in available vertebrate species. In addition, this alteration is predicted to be tolerated by in silico analysis. Based on the available evidence, the clinical significance of this variant remains unclear.

GeneDx
Classification: Uncertain significance. Last evaluated: 2022-10-06. Review status: criteria provided, single submitter. Criteria: GeneDx Variant Classification Process June 2021. Collection method: clinical testing. Allele origin: germline. Affected: yes.
Comment: Has not been previously published as pathogenic or benign to our knowledge; In silico analysis supports that this missense variant does not alter protein structure/function

Clinical Genomics Laboratory, Stanford Medicine
Classification: Uncertain significance for Cardiomyopathy, familial hypertrophic 27. Last evaluated: 2022-03-29. Review status: criteria provided, single submitter. Criteria: ACMG Guidelines, 2015. Collection method: clinical testing. Allele origin: germline. Observed: 1 variant allele, 1 heterozygote.
Comment: The p.Thr1418Met variant in the ALPK3 gene has not been previously reported in association with disease. This variant has been identified in 4/17,592 African/African American chromosomes by the Genome Aggregation Database. Computational tools predict that this variant does not impact protein function; however, the accuracy of in silico algorithms is limited. These data were assessed using the ACMG/AMP variant interpretation guidelines. In summary, the significance of the p.Thr1418Met variant is uncertain. Additional information is needed to resolve the significance of this variant. [ACMG evidence codes used: BP4]

NM_020778.5(ALPK3):c.3647C>T (p.Thr1216Met)

Gene: ALPK3 (alpha kinase 3; plus strand). Cytogenetic location: 15q25.3.
Variant type: single nucleotide variant.
Coding change: c.3647C>T on transcript NM_020778.5 (MANE Select); coding-DNA position 3647, C replaced by T.
Protein change: p.Thr1216Met; replaces threonine 1216 with methionine.
Molecular consequence: missense variant.
Genome position (GRCh38, 1-based): chr15:84,858,385, C>T. VCF-style: chr15-84858385-C-T. GRCh37 (hg19) VCF-style: chr15-85401616-C-T.
Other names: short protein forms T1216M.
Identifiers: ClinVar variation 1253827 (VCV001253827.16), dbSNP rs767667447, ClinGen allele CA7709687.